The following is an entry in ClinVar:

NM_002458.3(MUC5B):c.6756T>G (p.Leu2252=)

Genes: MUC5B (mucin 5B, oligomeric mucus/gel-forming; plus strand), MUC5B-AS1 (MUC5B antisense RNA 1; minus strand). Cytogenetic location: 11p15.5.
Variant type: single nucleotide variant.
Coding change: c.6756T>G on transcript NM_002458.3 (MANE Select); coding-DNA position 6756, T replaced by G.
Protein change: p.Leu2252=; no amino-acid change (leucine 2252 retained).
Molecular consequence: synonymous variant.
Genome position (GRCh38, 1-based): chr11:1,243,636, T>G. VCF-style: chr11-1243636-T-G. GRCh37 (hg19) VCF-style: chr11-1264866-T-G.
Identifiers: ClinVar variation 3388117 (VCV003388117.14).

ClinVar aggregate classification (germline): Likely benign (1 of 4 stars; one submission).

gnomAD v4.1: 2,117 of 1,606,460 alleles (0.13%); highest among the groups gnomAD compares: African/African-American, 0.24%; 5 homozygotes.

Submission:

CeGaT Center for Human Genetics Tuebingen
Classification: Likely benign. Last evaluated: 2024-09-01. Review status: criteria provided, single submitter. Criteria: CeGaT Center For Human Genetics Tuebingen Variant Classification Criteria Version 2. Collection method: clinical testing. Allele origin: germline. Affected: yes. Observed: 1 variant allele.
Comment: MUC5B: BP4, BP7, BS1